The following is an entry in ClinVar:

NM_000350.3(ABCA4):c.3103dup (p.Gln1035fs)

Gene: ABCA4 (ATP binding cassette subfamily A member 4; minus strand). Cytogenetic location: 1p22.1.
Variant type: Duplication.
Coding change: c.3103dup on transcript NM_000350.3 (MANE Select); coding-DNA position 3103, one base duplicated (C; older notation c.3103dupC).
Protein change: p.Gln1035fs; shifts the reading frame from glutamine 1035.
Molecular consequence: frameshift variant.
Genome position (GRCh38, 1-based): chr1:94,043,423, G duplicated on the plus strand (C on the coding strand, the reverse complement: ABCA4 is on the minus strand); the first of 3 consecutive G bases (chr1:94,043,423-94,043,425); duplicating any one gives the same sequence. VCF-style (leftmost placement, unchanged base first): chr1-94043422-T-TG. GRCh37 (hg19) VCF-style: chr1-94508978-T-TG.
Other names: c.2879dup, p.Gln961Profs (NM_001425324.1); short protein forms Q1035fs.
Identifiers: ClinVar variation 2818794 (VCV002818794.3), dbSNP rs2523774251, ClinGen allele CA2739272670.
Genomic context (GRCh38, chr1:94,043,422, plus strand): 5'-CGCTTGTGGTGGAGGCCTGTGTCCTCCAACATGGCTTCCATCTCCAGCTGGGCCTCCTCC[T>TG]GGGACTTTCCTTTCAGCTGGGCATAGAACAGCATGTGCTCAGCCACCGTGAGGCTAGGAG-3'

ClinVar aggregate classification (germline): Pathogenic (1 of 4 stars; one submission).

Submission:

Labcorp Genetics (formerly Invitae), Labcorp
Classification: Pathogenic. Last evaluated: 2023-06-23. Review status: criteria provided, single submitter. Criteria: Invitae Variant Classification Sherloc (09022015). Collection method: clinical testing. Allele origin: germline.
Comment: For these reasons, this variant has been classified as Pathogenic. This variant has not been reported in the literature in individuals affected with ABCA4-related conditions. This variant is not present in population databases (gnomAD no frequency). This sequence change creates a premature translational stop signal (p.Gln1035Profs*23) in the ABCA4 gene. It is expected to result in an absent or disrupted protein product. Loss-of-function variants in ABCA4 are known to be pathogenic (PMID: 10958761, 24938718, 25312043, 26780318).

Literature cited by the submitters: PubMed 10958761; PubMed 24938718; PubMed 25312043; PubMed 26780318.